The following is an entry in ClinVar:

NM_001004334.4(GPR179):c.5526G>T (p.Gln1842His)

Gene: GPR179 (G protein-coupled receptor 179; minus strand). Cytogenetic location: 17q12.
Variant type: single nucleotide variant.
Coding change: c.5526G>T on transcript NM_001004334.4 (MANE Select); coding-DNA position 5526, G replaced by T.
Protein change: p.Gln1842His; replaces glutamine 1842 with histidine.
Molecular consequence: missense variant.
Genome position (GRCh38, 1-based): chr17:38,328,043, C>A on the plus strand (G>T on the coding strand, the complement: GPR179 is on the minus strand). VCF-style: chr17-38328043-C-A. GRCh37 (hg19) VCF-style: chr17-36483926-C-A.
Other names: short protein forms Q1842H.
Identifiers: ClinVar variation 1998739 (VCV001998739.4), dbSNP rs1320842457, ClinGen allele CA398871612.

ClinVar aggregate classification (germline): Uncertain significance (1 of 4 stars; one submission).

gnomAD v4.1: 1 of 1,614,170 alleles (0.000062%); highest among the groups gnomAD compares: Admixed American, 0.0017%; no homozygotes.

Submission:

Labcorp Genetics (formerly Invitae), Labcorp
Classification: Uncertain significance. Last evaluated: 2022-10-13. Review status: criteria provided, single submitter. Criteria: Invitae Variant Classification Sherloc (09022015). Collection method: clinical testing. Allele origin: germline.
Comment: This sequence change replaces glutamine, which is neutral and polar, with histidine, which is basic and polar, at codon 1842 of the GPR179 protein (p.Gln1842His). This variant is not present in population databases (gnomAD no frequency). In summary, the available evidence is currently insufficient to determine the role of this variant in disease. Therefore, it has been classified as a Variant of Uncertain Significance. Algorithms developed to predict the effect of missense changes on protein structure and function are either unavailable or do not agree on the potential impact of this missense change (SIFT: "Deleterious"; PolyPhen-2: "Possibly Damaging"; Align-GVGD: "Class C0"). This variant has not been reported in the literature in individuals affected with GPR179-related conditions.